The following is an entry in ClinVar:

NM_001134363.3(RBM20):c.982C>T (p.Gln328Ter)

Gene: RBM20 (RNA binding motif protein 20; plus strand). Cytogenetic location: 10q25.2.
Variant type: single nucleotide variant.
Coding change: c.982C>T on transcript NM_001134363.3 (MANE Select); coding-DNA position 982, C replaced by T.
Protein change: p.Gln328Ter; replaces glutamine 328 with a stop codon.
Molecular consequence: nonsense.
Genome position (GRCh38, 1-based): chr10:110,781,591, C>T. VCF-style: chr10-110781591-C-T. GRCh37 (hg19) VCF-style: chr10-112541349-C-T.
Other names: short protein forms Q328*.
Identifiers: ClinVar variation 2867840 (VCV002867840.4), dbSNP rs2493412774, ClinGen allele CA378385128.
Genomic context (GRCh38, chr10:110,781,591, plus strand): 5'-GTCGGGCCACTGCTGCAGGGCACAAACAGCCAATGGGAGAGCCCCCATGGATTCTCGGGC[C>T]AAAGCAAGCCTGATCTCACAGCAGGTCCCATGTGGCCTCCACCCCACAACCAGCCCTATG-3'

ClinVar aggregate classification (germline): Conflicting classifications of pathogenicity. Review status: criteria provided, conflicting classifications (1 of 4 stars). 2 submissions from 2 submitters: Pathogenic (1); Uncertain significance (1). Last evaluated 2025-11-21.

Conditions:
Cardiovascular phenotype. Identifiers: MedGen CN230736.
Dilated cardiomyopathy 1DD (CMD1DD). Identifiers: Orphanet 154, MedGen C2750995, MONDO:0013168, OMIM 613172.

Submissions (2):

Labcorp Genetics (formerly Invitae), Labcorp
Classification: Pathogenic for Dilated cardiomyopathy 1DD. Last evaluated: 2025-11-21. Review status: criteria provided, single submitter. Criteria: Invitae Variant Classification Sherloc (09022015). Collection method: clinical testing. Allele origin: germline.
Comment: This sequence change creates a premature translational stop signal (p.Gln328*) in the RBM20 gene. It is expected to result in an absent or disrupted protein product. Loss-of-function variants in RBM20 are known to be pathogenic (PMID: 20590677, 22004663, 38288598, 38510713, 40339755). This variant is not present in population databases (gnomAD no frequency). This variant has not been reported in the literature in individuals affected with RBM20-related conditions. ClinVar contains an entry for this variant (Variation ID: 2867840). Algorithms developed to predict the effect of sequence changes on RNA splicing suggest that this variant may create or strengthen a splice site. For these reasons, this variant has been classified as Pathogenic.

Ambry Genetics
Classification: Uncertain significance for Cardiovascular phenotype. Last evaluated: 2025-07-03. Review status: criteria provided, single submitter. Criteria: Ambry Variant Classification Scheme 2023. Collection method: clinical testing. Allele origin: germline.
Comment: The p.Q328* variant (also known as c.982C>T), located in coding exon 2 of the RBM20 gene, results from a C to T substitution at nucleotide position 982. This changes the amino acid from a glutamine to a stop codon within coding exon 2. This alteration is expected to result in protein truncation or nonsense-mediated mRNA decay. However, loss of function of RBM20 has not been established as a mechanism of disease. Based on the available evidence, the clinical significance of this alteration remains unclear.

Literature cited by the submitters: PubMed 20590677 (cited by Labcorp Genetics (formerly Invitae), Labcorp); PubMed 22004663 (cited by Labcorp Genetics (formerly Invitae), Labcorp); PubMed 38288598 (cited by Labcorp Genetics (formerly Invitae), Labcorp); PubMed 38510713 (cited by Labcorp Genetics (formerly Invitae), Labcorp); PubMed 40339755 (cited by Labcorp Genetics (formerly Invitae), Labcorp).